The following is an entry in ClinVar:

NM_000535.7(PMS2):c.2526_2528del (p.Cys843del)

Gene: PMS2 (PMS1 homolog 2, mismatch repair system component; minus strand). Cytogenetic location: 7p22.1.
Variant type: Deletion.
Coding change: c.2526_2528del on transcript NM_000535.7 (MANE Select); coding-DNA positions 2526 to 2528, 3 bases deleted (CTG; older notation c.2526_2528delCTG).
Protein change: p.Cys843del; deletes cysteine 843.
Molecular consequence: non-coding transcript variant (on NR_136154.1).
Genome position (GRCh38, 1-based): chr7:5,973,460-5,973,462, CAG deleted on the plus strand (CTG on the coding strand, the reverse complement: PMS2 is on the minus strand). VCF-style (leftmost placement, unchanged base first): chr7-5973459-ACAG-A. GRCh37 (hg19) VCF-style: chr7-6013090-ACAG-A.
Other names: c.2121_2123del, p.Cys708del (NM_001322003.2, NM_001322004.2, NM_001322005.2 and 11 more transcripts); c.2370_2372del, p.Cys791del (NM_001322006.2); c.2208_2210del, p.Cys737del (NM_001322007.2, NM_001322008.2, NM_001406883.1); c.2154_2156del, p.Cys719del (NM_001322009.2, NM_001406887.1, NM_001406888.1); c.1965_1967del, p.Cys656del (NM_001322010.2, NM_001406906.1, NM_001406907.1); c.1593_1595del, p.Cys532del (NM_001322011.2, NM_001322012.2); c.1953_1955del, p.Cys652del (NM_001322013.2, NM_001406908.1, NM_001406909.1); c.2559_2561del, p.Cys854del (NM_001322014.2); and 20 more; short protein forms C442del, C532del, C586del, C604del, C652del, C656del, C672del, C681del.
Identifiers: ClinVar variation 4756710 (VCV004756710.1).

ClinVar aggregate classification (germline): Uncertain significance (1 of 4 stars; one submission).

Conditions:
Hereditary cancer-predisposing syndrome. Also called: Tumor predisposition; Hereditary Cancer Syndrome; Neoplastic Syndromes, Hereditary; Hereditary neoplastic syndrome. Identifiers: Orphanet 140162, MedGen C0027672, MeSH D009386, MONDO:0015356.

Submission:

Color Diagnostics, LLC DBA Color Health
Classification: Uncertain significance for Hereditary cancer-predisposing syndrome. Last evaluated: 2025-07-09. Review status: criteria provided, single submitter. Criteria: ACMG Guidelines, 2015. Collection method: clinical testing. Allele origin: germline.
Comment: This variant causes the deletion of a single amino acid in codon 843 of the PMS2 protein. To our knowledge, functional studies have not been reported for this variant. This variant has not been reported in individuals affected with PMS2-related disorders in the literature. This variant has not been identified in the general population by the Genome Aggregation Database (gnomAD). The available evidence is insufficient to determine the role of this variant in disease conclusively. Therefore, this variant is classified as a Variant of Uncertain Significance.